The following is an entry in ClinVar:

NM_003072.5(SMARCA4):c.4663T>G (p.Ser1555Ala)

Gene: SMARCA4 (SWI/SNF related BAF chromatin remodeling complex subunit ATPase 4; plus strand). Cytogenetic location: 19p13.2.
Variant type: single nucleotide variant.
Coding change: c.4663T>G on transcript NM_003072.5 (MANE Select); coding-DNA position 4663, T replaced by G.
Protein change: p.Ser1555Ala; replaces serine 1555 with alanine.
Molecular consequence: missense variant. On other transcripts: non-coding transcript variant (1).
Genome position (GRCh38, 1-based): chr19:11,059,780, T>G. VCF-style: chr19-11059780-T-G. GRCh37 (hg19) VCF-style: chr19-11170456-T-G.
Other names: c.4663T>G, p.Ser1555Ala (NM_001128844.3); c.4573T>G, p.Ser1525Ala (NM_001128845.2); c.4570T>G, p.Ser1524Ala (NM_001128846.2); c.4564T>G, p.Ser1522Ala (NM_001128847.4, NM_001374457.1); c.4561T>G, p.Ser1521Ala (NM_001128848.2); c.4759T>G, p.Ser1587Ala (NM_001128849.3, NM_001387283.1); c.4660T>G, p.Ser1554Ala (NM_001411150.1); short protein forms S1521A, S1522A, S1524A, S1525A, S1554A, S1555A, S1587A.
Identifiers: ClinVar variation 1721783 (VCV001721783.5), dbSNP rs2147113521, ClinGen allele CA404079263.
Genomic context (GRCh38, chr19:11,059,780, plus strand): 5'-CCATCCACTCAAGCCCCTGGTGTCTCTGCCCAGATCTATGAAGACTCCATCGTCTTGCAG[T>G]CGGTCTTCACCAGCGTGCGGCAGAAAATCGAGAAGGAGGATGACAGTGAAGGCGAGGAGA-3'
Protein context (NP_003063.2, residues 1545-1565): LIYEDSIVLQ[Ser1555Ala]VFTSVRQKIE

ClinVar aggregate classification (germline): Uncertain significance (1 of 4 stars; one submission).

Conditions:
Rhabdoid tumor predisposition syndrome 2 (RTPS2). Identifiers: Orphanet 231108, Orphanet 69077, MedGen C2750074, MONDO:0013224, OMIM 613325.

Submission:

Labcorp Genetics (formerly Invitae), Labcorp
Classification: Uncertain significance for Rhabdoid tumor predisposition syndrome 2. Last evaluated: 2022-10-17. Review status: criteria provided, single submitter. Criteria: Invitae Variant Classification Sherloc (09022015). Collection method: clinical testing. Allele origin: germline.
Comment: In summary, the available evidence is currently insufficient to determine the role of this variant in disease. Therefore, it has been classified as a Variant of Uncertain Significance. This sequence change replaces serine, which is neutral and polar, with alanine, which is neutral and non-polar, at codon 1587 of the SMARCA4 protein (p.Ser1587Ala). This variant is not present in population databases (gnomAD no frequency). This variant has not been reported in the literature in individuals affected with SMARCA4-related conditions. Advanced modeling of protein sequence and biophysical properties (such as structural, functional, and spatial information, amino acid conservation, physicochemical variation, residue mobility, and thermodynamic stability) has been performed at Invitae for this missense variant, however the output from this modeling did not meet the statistical confidence thresholds required to predict the impact of this variant on SMARCA4 protein function. Algorithms developed to predict the effect of sequence changes on RNA splicing suggest that this variant may create or strengthen a splice site.